The following is an entry in ClinVar:

NM_001130009.3(GEN1):c.2394C>G (p.Asp798Glu)

Gene: GEN1 (GEN1 Holliday junction 5' flap endonuclease; plus strand). Cytogenetic location: 2p24.2.
Variant type: single nucleotide variant.
Coding change: c.2394C>G on transcript NM_001130009.3 (MANE Select); coding-DNA position 2394, C replaced by G.
Protein change: p.Asp798Glu; replaces aspartic acid 798 with glutamic acid.
Molecular consequence: missense variant.
Genome position (GRCh38, 1-based): chr2:17,781,606, C>G. VCF-style: chr2-17781606-C-G. GRCh37 (hg19) VCF-style: chr2-17962873-C-G.
Other names: c.2394C>G, p.Asp798Glu (NM_182625.5); short protein forms D798E.
Identifiers: ClinVar variation 3853512 (VCV003853512.1).

ClinVar aggregate classification (germline): Uncertain significance (1 of 4 stars; one submission).

gnomAD v4.1: 2 of 1,613,860 alleles (0.00012%); highest among the groups gnomAD compares: Admixed American, 0.0017%; no homozygotes.

Submission:

Ambry Genetics
Classification: Uncertain significance. Last evaluated: 2025-01-16. Review status: criteria provided, single submitter. Criteria: Ambry Variant Classification Scheme 2023. Collection method: clinical testing. Allele origin: germline.
Comment: The p.D798E variant (also known as c.2394C>G), located in coding exon 13 of the GEN1 gene, results from a C to G substitution at nucleotide position 2394. The aspartic acid at codon 798 is replaced by glutamic acid, an amino acid with highly similar properties. This amino acid position is conserved. In addition, this alteration is predicted to be tolerated by in silico analysis. Based on the available evidence, the clinical significance of this variant remains unclear.